The following is an entry in ClinVar:

NM_005343.4(HRAS):c.434C>T (p.Ser145Leu)

Genes: HRAS (HRas proto-oncogene, GTPase; minus strand), LRRC56 (leucine rich repeat containing 56; plus strand). Cytogenetic location: 11p15.5.
Variant type: single nucleotide variant.
Coding change: c.434C>T on transcript NM_005343.4 (MANE Select); coding-DNA position 434, C replaced by T.
Protein change: p.Ser145Leu; replaces serine 145 with leucine.
Molecular consequence: missense variant.
Genome position (GRCh38, 1-based): chr11:533,469, G>A on the plus strand (C>T on the coding strand, the complement: HRAS is on the minus strand). VCF-style: chr11-533469-G-A. GRCh37 (hg19) VCF-style: chr11-533469-G-A.
Other names: c.434C>T, p.Ser145Leu (NM_001130442.3, NM_176795.5); c.115C>T, p.Arg39Trp (NM_001318054.2); short protein forms R39W, S145L.
Identifiers: ClinVar variation 3029345 (VCV003029345.2), dbSNP rs2133986343, ClinGen allele CA378922811.

ClinVar aggregate classification (germline): Uncertain significance (0 of 4 stars; one submission).

Conditions:
HRAS-related disorder. Also called: HRAS-related condition.

Submission:

PreventionGenetics, part of Exact Sciences
Classification: Uncertain significance for HRAS-related condition. Last evaluated: 2024-02-05. Review status: no assertion criteria provided. Collection method: clinical testing. Allele origin: germline.
Comment: The HRAS c.434C>T variant is predicted to result in the amino acid substitution p.Ser145Leu. To our knowledge, this variant has not been reported in the literature or in a large population database, indicating this variant is rare. At this time, the clinical significance of this variant is uncertain due to the absence of conclusive functional and genetic evidence.